The following is an entry in ClinVar:

NM_000273.3(GPR143):c.12_36del (p.Leu6fs)

Gene: GPR143 (G protein-coupled receptor 143; minus strand). Cytogenetic location: Xp22.2.
Variant type: Deletion.
Coding change: c.12_36del on transcript NM_000273.3 (MANE Select); coding-DNA positions 12 to 36, 25 bases deleted (GCGCCTAGGGACCTTCTGCTGCCCC).
Protein change: p.Leu6fs; shifts the reading frame from leucine 6.
Molecular consequence: frameshift variant.
Genome position (GRCh38, 1-based): chrX:9,765,782-9,765,806, GGGGCAGCAGAAGGTCCCTAGGCGC deleted on the plus strand (GCGCCTAGGGACCTTCTGCTGCCCC on the coding strand, the reverse complement: GPR143 is on the minus strand); deleting any 25 consecutive bases within chrX:9,765,782-9,765,810 gives the same sequence; the c. name uses the placement nearest the transcript's 3' end. VCF-style (leftmost placement, unchanged base first): chrX-9765781-TGGGGCAGCAGAAGGTCCCTAGGCGC-T. GRCh37 (hg19) VCF-style: chrX-9733821-TGGGGCAGCAGAAGGTCCCTAGGCGC-T.
Other names: short protein forms L6fs.
Identifiers: ClinVar variation 373941 (VCV000373941.10), dbSNP rs1057518787, ClinGen allele CA16043601.

ClinVar aggregate classification (germline): Pathogenic/Likely pathogenic. Review status: criteria provided, multiple submitters, no conflicts (2 of 4 stars). 4 submissions from 4 submitters: Pathogenic (2); Likely pathogenic (2). Last evaluated 2023-07-05.

Conditions:
Ocular albinism, type I (OA1). Also called: X-linked recessive ocular albinism; Ocular Albinism type 1; Ocular albinism, type I, Nettleship-Falls type; NETTLESHIP-FALLS TYPE OCULAR ALBINISM. Identifiers: Orphanet 54, MedGen C0342684, MONDO:0021019, OMIM 300500.
GPR143-related disorders.
Ocular albinism. Identifiers: Orphanet 284804, MedGen C0078917, MeSH D016117, MONDO:0017304, HP:0001107.
Reduced eye contact. Also called: Poor eye contact. Identifiers: MedGen C1445953, HP:0000817.
Nystagmus. Identifiers: MedGen C0028738, MONDO:0004843, HP:0000639.

Submissions (4):

Blueprint Genetics
Classification: Likely pathogenic for GPR143-related disorders. Last evaluated: 2023-07-05. Review status: criteria provided, single submitter. Criteria: ACMG Guidelines, 2015. Collection method: clinical testing. Allele origin: germline. Affected: yes. Observed: 1 variant allele.

Labcorp Genetics (formerly Invitae), Labcorp
Classification: Pathogenic. Last evaluated: 2022-09-28. Review status: criteria provided, single submitter. Criteria: Invitae Variant Classification Sherloc (09022015). Collection method: clinical testing. Allele origin: germline.
Comment: ClinVar contains an entry for this variant (Variation ID: 373941). For these reasons, this variant has been classified as Pathogenic. This sequence change creates a premature translational stop signal (p.Leu6Glyfs*9) in the GPR143 gene. It is expected to result in an absent or disrupted protein product. Loss-of-function variants in GPR143 are known to be pathogenic (PMID: 15965158, 18978956, 19390656, 21541274, 26160353, 28211458). This variant is not present in population databases (gnomAD no frequency). This variant has not been reported in the literature in individuals affected with GPR143-related conditions.

Greenwood Genetic Center Diagnostic Laboratories, Greenwood Genetic Center
Classification: Pathogenic for Ocular albinism, type I. Last evaluated: 2022-07-27. Review status: criteria provided, single submitter. Criteria: ACMG Guidelines, 2015. Collection method: clinical testing. Allele origin: germline. Affected: yes.
Comment: PVS1 PM2 PM3_Supporting

Centre for Mendelian Genomics, University Medical Centre Ljubljana
Classification: Likely pathogenic for Nystagmus; Ocular albinism; Reduced eye contact. Last evaluated: 2013-12-13. Review status: criteria provided, single submitter. Criteria: ACMG Guidelines, 2015. Collection method: clinical testing. Allele origin: unknown. Affected: yes.

Literature cited by the submitters: PubMed 15965158 (cited by Labcorp Genetics (formerly Invitae), Labcorp); PubMed 18978956 (cited by Labcorp Genetics (formerly Invitae), Labcorp); PubMed 19390656 (cited by Labcorp Genetics (formerly Invitae), Labcorp); PubMed 21541274 (cited by Labcorp Genetics (formerly Invitae), Labcorp); PubMed 26160353 (cited by Labcorp Genetics (formerly Invitae), Labcorp); PubMed 28211458 (cited by Labcorp Genetics (formerly Invitae), Labcorp).